The following is an entry in ClinVar:

ClinVar aggregate classification (germline): Likely pathogenic (0 of 4 stars; one submission).

Conditions:
Neuroocular syndrome 1 (NOC1). Identifiers: Orphanet 659904, MedGen C5925133, MONDO:0971007, OMIM 619539.

Submission:

Solve-RD Consortium
Classification: Likely pathogenic for Neuroocular syndrome 1. Last evaluated: 2022-06-01. Review status: no assertion criteria provided. Collection method: provider interpretation. Allele origin: de novo. Affected: yes.
Comment: Variant confirmed as disease-causing by referring clinical team

Variant identified during reanalysis of unsolved cases by the Solve-RD project. The Solve-RD project has received funding from the European Union’s Horizon 2020 research and innovation programme under grant agreement No 779257.

Literature cited by the submitters: PubMed 39825153.

NM_020719.3(PRR12):c.5587del (p.Asp1863fs)

Gene: PRR12 (proline rich 12; plus strand). Cytogenetic location: 19q13.33.
Variant type: Deletion.
Coding change: c.5587del on transcript NM_020719.3 (MANE Select); coding-DNA position 5587, one base deleted (G; older notation c.5587delG).
Protein change: p.Asp1863fs; shifts the reading frame from aspartic acid 1863.
Molecular consequence: frameshift variant.
Genome position (GRCh38, 1-based): chr19:49,620,441, G deleted. VCF-style (leftmost placement, unchanged base first): chr19-49620440-TG-T. GRCh37 (hg19) VCF-style: chr19-50123697-TG-T.
Other names: short protein forms D1863fs.
Identifiers: ClinVar variation 3338095 (VCV003338095.1).
Genomic context (GRCh38, chr19:49,620,440, plus strand): 5'-AACCAGGGCGATGCGGGAGATGTACCGGAGCTACGTGGAGATGTTGGTGAGCACAGCACT[TG>T]ACCCAGACATGATCCAGGCCCTGGAGGACACGCATGGTGAGCTGAGGCCTGGGGAGGAGG-3'